The following is an entry in ClinVar:

NM_020433.5(JPH2):c.1247G>T (p.Arg416Leu)

Gene: JPH2 (junctophilin 2; minus strand). Cytogenetic location: 20q13.12.
Variant type: single nucleotide variant.
Coding change: c.1247G>T on transcript NM_020433.5 (MANE Select); coding-DNA position 1247, G replaced by T.
Protein change: p.Arg416Leu; replaces arginine 416 with leucine.
Molecular consequence: missense variant.
Genome position (GRCh38, 1-based): chr20:44,118,546, C>A on the plus strand (G>T on the coding strand, the complement: JPH2 is on the minus strand). VCF-style: chr20-44118546-C-A. GRCh37 (hg19) VCF-style: chr20-42747186-C-A.
Other names: short protein forms R416L.
Identifiers: ClinVar variation 1516041 (VCV001516041.10), dbSNP rs190802013, ClinGen allele CA9868692.

ClinVar aggregate classification (germline): Uncertain significance. Review status: criteria provided, multiple submitters, no conflicts (2 of 4 stars). 2 submissions from 2 submitters: Uncertain significance (2). Last evaluated 2022-06-13.

Conditions:
Cardiovascular phenotype. Identifiers: MedGen CN230736.
Hypertrophic cardiomyopathy. Also called: HYPERTROPHIC MYOCARDIOPATHY. Identifiers: Orphanet 217569, MedGen C0007194, MeSH D002312, MONDO:0005045, HP:0001639.

Allele frequency attached by ClinVar (database versions not stated): gnomAD 0.00001.
gnomAD v4.1: 10 of 1,613,236 alleles (0.00062%); highest among the groups gnomAD compares: African/African-American, 0.0027%; no homozygotes.

Submissions (2):

Labcorp Genetics (formerly Invitae), Labcorp
Classification: Uncertain significance for Hypertrophic cardiomyopathy. Last evaluated: 2022-06-13. Review status: criteria provided, single submitter. Criteria: Invitae Variant Classification Sherloc (09022015). Collection method: clinical testing. Allele origin: germline.
Comment: In summary, the available evidence is currently insufficient to determine the role of this variant in disease. Therefore, it has been classified as a Variant of Uncertain Significance. Algorithms developed to predict the effect of missense changes on protein structure and function are either unavailable or do not agree on the potential impact of this missense change (SIFT: "Tolerated"; PolyPhen-2: "Probably Damaging"; Align-GVGD: "Class C0"). This variant has not been reported in the literature in individuals affected with JPH2-related conditions. This variant is present in population databases (rs190802013, gnomAD 0.003%). This sequence change replaces arginine, which is basic and polar, with leucine, which is neutral and non-polar, at codon 416 of the JPH2 protein (p.Arg416Leu).

Ambry Genetics
Classification: Uncertain significance for Cardiovascular phenotype. Last evaluated: 2022-04-12. Review status: criteria provided, single submitter. Criteria: Ambry Variant Classification Scheme 2023. Collection method: clinical testing. Allele origin: germline.
Comment: The p.R416L variant (also known as c.1247G>T), located in coding exon 3 of the JPH2 gene, results from a G to T substitution at nucleotide position 1247. The arginine at codon 416 is replaced by leucine, an amino acid with dissimilar properties. This amino acid position is highly conserved in available vertebrate species. In addition, this alteration is predicted to be deleterious by in silico analysis. Since supporting evidence is limited at this time, the clinical significance of this alteration remains unclear.